The following is an entry in ClinVar:

NM_173630.4(RTTN):c.5358G>C (p.Thr1786=)

Genes: RTTN (rotatin; minus strand), LOC126862785 (MED14-independent group 3 enhancer GRCh37_chr18:67714790-67715989; plus strand). Cytogenetic location: 18q22.2.
Variant type: single nucleotide variant.
Coding change: c.5358G>C on transcript NM_173630.4 (MANE Select); coding-DNA position 5358, G replaced by C.
Protein change: p.Thr1786=; no amino-acid change (threonine 1786 retained).
Molecular consequence: synonymous variant.
Genome position (GRCh38, 1-based): chr18:70,048,154, C>G on the plus strand (G>C on the coding strand, the complement: RTTN is on the minus strand). VCF-style: chr18-70048154-C-G. GRCh37 (hg19) VCF-style: chr18-67715390-C-G.
Other names: c.2622G>C, p.Thr874= (NM_001318520.2); c.5358G>C (NM_173630.3).
Identifiers: ClinVar variation 2887940 (VCV002887940.5), dbSNP rs371026322, ClinGen allele CA8994950.

ClinVar aggregate classification (germline): Likely benign. Review status: criteria provided, single submitter (1 of 4 stars). 2 submissions from 2 submitters: Likely benign (1). 1 of the submissions does not count toward it. Last evaluated 2025-07-02.

Conditions:
RTTN-related disorder. Also called: RTTN-related condition.

Allele frequency attached by ClinVar (database versions not stated): ESP Exome Variant Server 0.00008.
gnomAD v4.1: 25 of 1,613,874 alleles (0.0015%); highest among the groups gnomAD compares: African/African-American, 0.028%; no homozygotes.

Submissions (2):

Labcorp Genetics (formerly Invitae), Labcorp
Classification: Likely benign. Last evaluated: 2025-07-02. Review status: criteria provided, single submitter. Criteria: Invitae Variant Classification Sherloc (09022015). Collection method: clinical testing. Allele origin: germline.

PreventionGenetics, part of Exact Sciences
Classification: Likely benign for RTTN-related condition. Last evaluated: 2022-04-27. Review status: no assertion criteria provided. Collection method: clinical testing. Allele origin: germline. Not counted in ClinVar's aggregate classification.
Comment: This variant is classified as likely benign based on ACMG/AMP sequence variant interpretation guidelines (Richards et al. 2015 PMID: 25741868, with internal and published modifications).